The following is an entry in ClinVar:

NM_001101362.3(KBTBD13):c.558G>C (p.Ala186=)

Gene: KBTBD13 (kelch repeat and BTB domain containing 13; plus strand). Cytogenetic location: 15q22.31.
Variant type: single nucleotide variant.
Coding change: c.558G>C on transcript NM_001101362.3 (MANE Select); coding-DNA position 558, G replaced by C.
Protein change: p.Ala186=; no amino-acid change (alanine 186 retained).
Molecular consequence: synonymous variant.
Genome position (GRCh38, 1-based): chr15:65,077,373, G>C. VCF-style: chr15-65077373-G-C. GRCh37 (hg19) VCF-style: chr15-65369711-G-C.
Other names: p.Ala186=; c.558G>C (NM_001101362.2).
Identifiers: ClinVar variation 1090599 (VCV001090599.10), dbSNP rs775940623, ClinGen allele CA7613941.

ClinVar aggregate classification (germline): Likely benign. Review status: criteria provided, multiple submitters, no conflicts (2 of 4 stars). 2 submissions from 2 submitters: Likely benign (2). Last evaluated 2024-12-30.

Conditions:
Nemaline myopathy 6 (NEM6). Also called: Nemaline myopathy 6, autosomal dominant. Identifiers: Orphanet 171439, MedGen C1836472, MONDO:0012237, OMIM 609273.

Allele frequency attached by ClinVar (database versions not stated): TOPMed 0.00002; gnomAD 0.00003.
gnomAD v4.1: 7 of 1,511,042 alleles (0.00046%); highest among the groups gnomAD compares: African/African-American, 0.0028%; no homozygotes.

Submissions (2):

Mayo Clinic Laboratories, Mayo Clinic
Classification: Likely benign. Last evaluated: 2024-12-30. Review status: criteria provided, single submitter. Criteria: ACMG Guidelines, 2015. Collection method: clinical testing. Allele origin: germline. Observed: 1 variant allele.
Comment: BP4, BP7

Labcorp Genetics (formerly Invitae), Labcorp
Classification: Likely benign for Nemaline myopathy 6. Last evaluated: 2020-10-25. Review status: criteria provided, single submitter. Criteria: Invitae Variant Classification Sherloc (09022015). Collection method: clinical testing. Allele origin: germline.